The following is an entry in ClinVar:

ClinVar aggregate classification (germline): Uncertain significance (1 of 4 stars; one submission).

gnomAD v4.1: 8 of 1,596,798 alleles (0.0005%); highest among the groups gnomAD compares: Non-Finnish European, 0.00068%; no homozygotes.

Submission:

GeneDx
Classification: Uncertain significance. Last evaluated: 2025-06-12. Review status: criteria provided, single submitter. Criteria: GeneDx Variant Classification Process June 2021. Collection method: clinical testing. Allele origin: germline. Affected: yes.
Comment: Not observed at significant frequency in large population cohorts (gnomAD); In silico analysis supports that this missense variant has a deleterious effect on protein structure/function; Has not been previously published as pathogenic or benign to our knowledge

NM_001174089.2(SLC4A11):c.1980G>C (p.Gln660His)

Gene: SLC4A11 (solute carrier family 4 member 11; minus strand). Cytogenetic location: 20p13.
Variant type: single nucleotide variant.
Coding change: c.1980G>C on transcript NM_001174089.2 (MANE Select); coding-DNA position 1980, G replaced by C.
Protein change: p.Gln660His; replaces glutamine 660 with histidine.
Molecular consequence: missense variant. On other transcripts: non-coding transcript variant (3).
Genome position (GRCh38, 1-based): chr20:3,229,133, C>G on the plus strand (G>C on the coding strand, the complement: SLC4A11 is on the minus strand). VCF-style: chr20-3229133-C-G. GRCh37 (hg19) VCF-style: chr20-3209779-C-G.
Other names: c.2109G>C, p.Gln703His (NM_001174090.2); c.1866G>C, p.Gln622His (NM_001363745.2); c.1923G>C, p.Gln641His (NM_001400277.1, NM_001400278.1, NM_001400279.1); c.1995G>C, p.Gln665His (NM_001400280.1); c.2028G>C, p.Gln676His (NM_032034.4); short protein forms Q622H, Q641H, Q660H, Q665H, Q676H, Q703H.
Identifiers: ClinVar variation 4537557 (VCV004537557.1).
Genomic context (GRCh38, chr20:3,229,133, plus strand): 5'-CACCCTCACCCACCCTCCACACCTGTTCTCCGGTGCATTCACCAAGGCGGCCACCAAGTT[C>G]TGCTCGATGAAGAAGAGCATGGACAGCAGGAAGCCGAGGCCCATGGCACCGCTGACGGCC-3'
Protein context (NP_001167560.1, residues 650-670): FLLSMLFFIE[Gln660His]NLVAALVNAP